The following is an entry in ClinVar:

ClinVar aggregate classification (germline): Conflicting classifications of pathogenicity. Review status: criteria provided, conflicting classifications (1 of 4 stars). 2 submissions from 2 submitters: Likely pathogenic (1); Uncertain significance (1). Last evaluated 2025-07-21.

Conditions:
Mucopolysaccharidosis type 6 (MPS6). Also called: N-ACETYLGALACTOSAMINE-4-SULFATASE DEFICIENCY; ARSB DEFICIENCY; ARYLSULFATASE B DEFICIENCY; MPS 6; Maroteaux Lamy syndrome; MPS VI. Identifiers: Orphanet 583, MedGen C0026709, MONDO:0009661, OMIM 253200.

gnomAD v4.1: 2 of 1,539,066 alleles (0.00013%); highest among the groups gnomAD compares: African/African-American, 0.0014%; no homozygotes.

Submissions (2):

Women's Health and Genetics/Laboratory Corporation of America, LabCorp
Classification: Uncertain significance. Last evaluated: 2025-07-21. Review status: criteria provided, single submitter. Criteria: LabCorp Variant Classification Summary - May 2015. Collection method: clinical testing. Allele origin: germline.
Comment: Variant summary: ARSB c.235G>A (p.Gly79Arg) results in a non-conservative amino acid change in the encoded protein sequence. Algorithms developed to predict the effect of missense changes on protein structure and function all suggest that this variant is likely to be disruptive. The variant was absent in 178560 control chromosomes (gnomAD). c.235G>A has been observed in a homozygous individual affected with Mucopolysaccharidosis Type VI (Maroteaux-Lamy Syndrome)(Ghaffari_2022). These data indicate that the variant may be associated with disease. To our knowledge, no experimental evidence demonstrating an impact on protein function has been reported. The following publication has been ascertained in the context of this evaluation (PMID: 35005816). ClinVar contains an entry for this variant (Variation ID: 3893236). Based on the evidence outlined above, the variant was classified as VUS-possibly pathogenic.

Illumina Laboratory Services, Illumina
Classification: Likely pathogenic for Mucopolysaccharidosis type 6. Last evaluated: 2023-09-28. Review status: criteria provided, single submitter. Criteria: ICSLVariantClassificationCriteria RUGD 01 April 2020. Collection method: clinical testing. Allele origin: unknown.
Comment: The ARSB c.235G>A p.(Gly79Arg) missense variant has been reported in a homozygous state in one individual with a phenotype consistent with MPS VI (PMID: 35005816). This variant is not observed in version 2.1.1 or version 3.1.2 of the Genome Aggregation Database. The variant is located in a mutational hotspot. A different amino acid change at the same position, p.(Gly79Glu), has been reported in an individual with MPS VI (PMID: 28884960). Multiple lines of computational evidence suggest the p.(Gly79Arg) variant may impact the gene or gene product. Based on the available evidence, the c.235G>A p.(Gly79Arg) variant is classified as likely pathogenic for MPS VI.

Literature cited by the submitters: PubMed 35005816 (cited by Women's Health and Genetics/Laboratory Corporation of America, LabCorp and Illumina Laboratory Services, Illumina); PubMed 28884960 (cited by Illumina Laboratory Services, Illumina).

NM_000046.5(ARSB):c.235G>A (p.Gly79Arg)

Genes: ARSB (arylsulfatase B; minus strand), LOC129994126 (ATAC-STARR-seq lymphoblastoid silent region 16127; plus strand). Cytogenetic location: 5q14.1.
Variant type: single nucleotide variant.
Coding change: c.235G>A on transcript NM_000046.5 (MANE Select); coding-DNA position 235, G replaced by A.
Protein change: p.Gly79Arg; replaces glycine 79 with arginine.
Molecular consequence: missense variant.
Genome position (GRCh38, 1-based): chr5:78,985,014, C>T on the plus strand (G>A on the coding strand, the complement: ARSB is on the minus strand). VCF-style: chr5-78985014-C-T. GRCh37 (hg19) VCF-style: chr5-78280837-C-T.
Other names: c.235G>A, p.Gly79Arg (NM_198709.3); short protein forms G79R.
Identifiers: ClinVar variation 3893236 (VCV003893236.2).
Genomic context (GRCh38, chr5:78,985,014, plus strand): 5'-GCAGCTGGCTCCGCGACGGCGTGCACAGCGGCTGCGTGTAGTAGTTGTCCAGGAGCACCC[C>T]GCCGGCCGCCAGCGCGTCCAGGTGCGGCGTGCGGATGCGGGAGCCGTGGAAGCCGACGTC-3'
Protein context (NP_000037.2, residues 69-89): TPHLDALAAG[Gly79Arg]VLLDNYYTQP